The following is an entry in ClinVar:

NM_000322.5(PRPH2):c.746del (p.Gly249fs)

Gene: PRPH2 (peripherin 2; minus strand). Cytogenetic location: 6p21.1.
Variant type: Deletion.
Coding change: c.746del on transcript NM_000322.5 (MANE Select); coding-DNA position 746, one base deleted (G; older notation c.746delG).
Protein change: p.Gly249fs; shifts the reading frame from glycine 249.
Molecular consequence: frameshift variant.
Genome position (GRCh38, 1-based): chr6:42,704,447, C deleted on the plus strand (G on the coding strand, the reverse complement: PRPH2 is on the minus strand); the first of 2 consecutive C bases (chr6:42,704,447-42,704,448); deleting either gives the same sequence. VCF-style (leftmost placement, unchanged base first): chr6-42704446-GC-G. GRCh37 (hg19) VCF-style: chr6-42672184-GC-G.
Other names: short protein forms G249fs.
Identifiers: ClinVar variation 1175295 (VCV001175295.2), dbSNP rs2152005247, ClinGen allele CA2499218267.

ClinVar aggregate classification (germline): Pathogenic. Review status: criteria provided, single submitter (1 of 4 stars). 2 submissions from 2 submitters: Pathogenic (1). 1 of the submissions does not count toward it. Last evaluated 2022-01-07.

Conditions:
PRPH2-related disorder. Also called: PRPH2-related condition; PRPH2-related disorders. Identifiers: MedGen CN239395.

Submissions (2):

Blueprint Genetics
Classification: Pathogenic for PRPH2-related disorders. Last evaluated: 2022-01-07. Review status: criteria provided, single submitter. Criteria: ACMG Guidelines, 2015. Collection method: clinical testing. Allele origin: germline. Affected: yes. Observed: 1 variant allele.

Leiden Open Variation Database
Classification: Pathogenic. Last evaluated: 2021-04-06. Review status: no assertion criteria provided. Collection method: curation. Allele origin: germline. Affected: yes. Not counted in ClinVar's aggregate classification.
Comment: Curator: Global Variome, with Curator vacancy. Submitter to LOVD: Manon Peeters.